The following is an entry in ClinVar:

ClinVar aggregate classification (germline): Uncertain significance (1 of 4 stars; one submission).

Conditions:
3-Methylglutaconic aciduria type 3 (MGCA3). Also called: Costeff Syndrome; OPA3-Related 3-Methylglutaconic Aciduria; OPA3, AUTOSOMAL RECESSIVE; OPTIC ATROPHY 3, AUTOSOMAL RECESSIVE. Identifiers: Orphanet 67047, MedGen C0574084, MONDO:0009787, OMIM 258501.
Optic atrophy 3 (OPA3). Also called: OPTIC ATROPHY 3, AUTOSOMAL DOMINANT; Optic atrophy 3 with cataract; Optic atrophy, cataract, and neurologic disorder. Identifiers: Orphanet 67036, MedGen C1833809, MONDO:0008133, OMIM 165300.

Allele frequency attached by ClinVar (database versions not stated): gnomAD exomes below 0.00001; gnomAD 0.00001.

Submission:

Labcorp Genetics (formerly Invitae), Labcorp
Classification: Uncertain significance for 3-Methylglutaconic aciduria type 3; Optic atrophy 3. Last evaluated: 2018-07-12. Review status: criteria provided, single submitter. Criteria: Invitae Variant Classification Sherloc (09022015). Collection method: clinical testing. Allele origin: germline.
Comment: In summary, the available evidence is currently insufficient to determine the role of this variant in disease. Therefore, it has been classified as a Variant of Uncertain Significance. Experimental studies and prediction algorithms are not available for this variant, and the functional significance of the duplicated amino acids is currently unknown. This variant has not been reported in the literature in individuals with OPA3-related disease. This variant is not present in population databases (ExAC no frequency). This variant, c.305_322dup, results in the insertion of 6 amino acids to the OPA3 protein (p.Gln107_Gln108insArgArgHisGlnAlaGln), but otherwise preserves the integrity of the reading frame.

NM_025136.4(OPA3):c.305_322dup (p.Gln107_Gln108insArgArgHisGlnAlaGln)

Genes: OPA3 (outer mitochondrial membrane lipid metabolism regulator OPA3; minus strand), OPA3-RTN2 (OPA3-RTN2 readthrough; minus strand). Cytogenetic location: 19q13.32.
Variant type: Duplication.
Coding change: c.305_322dup on transcript NM_025136.4 (MANE Select); coding-DNA positions 305 to 322, 18 bases duplicated (GGCGCCACCAGGCGCAGC).
Protein change: p.Gln107_Gln108insArgArgHisGlnAlaGln.
Molecular consequence: inframe insertion. On other transcripts: intron variant (1).
Genome position (GRCh38, 1-based): chr19:45,553,732-45,553,749, GCTGCGCCTGGTGGCGCC duplicated on the plus strand (GGCGCCACCAGGCGCAGC on the coding strand, the reverse complement: OPA3 is on the minus strand). VCF-style (leftmost placement, unchanged base first): chr19-45553731-T-TGCTGCGCCTGGTGGCGCC. GRCh37 (hg19) VCF-style: chr19-46056989-T-TGCTGCGCCTGGTGGCGCC.
Other names: c.143-24293_143-24276dup (NM_001017989.3).
Identifiers: ClinVar variation 656181 (VCV000656181.8), dbSNP rs1599964564, ClinGen allele CA915951879.